The following is an entry in ClinVar:

ClinVar aggregate classification (germline): Benign/Likely benign. Review status: criteria provided, multiple submitters, no conflicts (2 of 4 stars). 4 submissions from 4 submitters: Benign (1); Likely benign (2). 1 of the submissions does not count toward it. Last evaluated 2025-02-04.

Conditions:
NOTCH3-related disorder. Also called: NOTCH3-related condition; NOTCH3-related disorders.

Allele frequency attached by ClinVar (database versions not stated): TOPMed 0.00003; gnomAD 0.00004 and 0.00005; ESP Exome Variant Server 0.00008; ExAC 0.00014; gnomAD exomes 0.00014.

Submissions (4):

Women's Health and Genetics/Laboratory Corporation of America, LabCorp
Classification: Likely benign. Last evaluated: 2025-02-04. Review status: criteria provided, single submitter. Criteria: LabCorp Variant Classification Summary - May 2015. Collection method: clinical testing. Allele origin: germline.

Labcorp Genetics (formerly Invitae), Labcorp
Classification: Likely benign. Last evaluated: 2024-09-23. Review status: criteria provided, single submitter. Criteria: Invitae Variant Classification Sherloc (09022015). Collection method: clinical testing. Allele origin: germline.

Athena Diagnostics
Classification: Benign. Last evaluated: 2023-10-02. Review status: criteria provided, single submitter. Criteria: Athena Diagnostics Criteria. Collection method: clinical testing. Allele origin: unknown.

PreventionGenetics, part of Exact Sciences
Classification: Likely benign for NOTCH3-related condition. Last evaluated: 2022-12-26. Review status: no assertion criteria provided. Collection method: clinical testing. Allele origin: germline. Not counted in ClinVar's aggregate classification.
Comment: This variant is classified as likely benign based on ACMG/AMP sequence variant interpretation guidelines (Richards et al. 2015 PMID: 25741868, with internal and published modifications).

Literature cited by the submitters: PubMed 24086431 (cited by Athena Diagnostics); PubMed 22153900 (cited by Athena Diagnostics).

NM_000435.3(NOTCH3):c.4793A>T (p.Asp1598Val)

Gene: NOTCH3 (notch receptor 3; minus strand). Cytogenetic location: 19p13.12.
Variant type: single nucleotide variant.
Coding change: c.4793A>T on transcript NM_000435.3 (MANE Select); coding-DNA position 4793, A replaced by T.
Protein change: p.Asp1598Val; replaces aspartic acid 1598 with valine.
Molecular consequence: missense variant.
Genome position (GRCh38, 1-based): chr19:15,170,769, T>A on the plus strand (A>T on the coding strand, the complement: NOTCH3 is on the minus strand). VCF-style: chr19-15170769-T-A. GRCh37 (hg19) VCF-style: chr19-15281580-T-A.
Other names: short protein forms D1598V.
Identifiers: ClinVar variation 800224 (VCV000800224.12), dbSNP rs201167365, ClinGen allele CA9262826.